The following is an entry in ClinVar:

ClinVar aggregate classification (germline): Uncertain significance. Review status: criteria provided, multiple submitters, no conflicts (2 of 4 stars). 3 submissions from 3 submitters: Uncertain significance (3). Last evaluated 2025-10-29.

Conditions:
Hereditary cancer-predisposing syndrome. Also called: Tumor predisposition; Neoplastic Syndromes, Hereditary; Hereditary Cancer Syndrome; Hereditary neoplastic syndrome. Identifiers: Orphanet 140162, MedGen C0027672, MeSH D009386, MONDO:0015356.
Tumor predisposition syndrome 3 (TPDS3). Also called: Melanoma, cutaneous malignant, susceptibility to, 10; Glioma susceptibility 9; LONG TELOMERE SYNDROME, POT1-RELATED; POT1 Tumor Predisposition. Identifiers: Orphanet 618, MedGen C4014476, MONDO:0014368, OMIM 615848.

Allele frequency attached by ClinVar (database versions not stated): ExAC 0.00001; gnomAD exomes below 0.00001.

Submissions (3):

Labcorp Genetics (formerly Invitae), Labcorp
Classification: Uncertain significance for Tumor predisposition syndrome 3. Last evaluated: 2025-10-29. Review status: criteria provided, single submitter. Criteria: Invitae Variant Classification Sherloc (09022015). Collection method: clinical testing. Allele origin: germline.
Comment: This sequence change replaces asparagine, which is neutral and polar, with aspartic acid, which is acidic and polar, at codon 449 of the POT1 protein (p.Asn449Asp). This variant is present in population databases (rs763618701, gnomAD 0.0009%). This variant has not been reported in the literature in individuals affected with POT1-related conditions. ClinVar contains an entry for this variant (Variation ID: 1372226). Invitae Evidence Modeling of protein sequence and biophysical properties (such as structural, functional, and spatial information, amino acid conservation, physicochemical variation, residue mobility, and thermodynamic stability) indicates that this missense variant is not expected to disrupt POT1 protein function with a negative predictive value of 80%. In summary, the available evidence is currently insufficient to determine the role of this variant in disease. Therefore, it has been classified as a Variant of Uncertain Significance.

Ambry Genetics
Classification: Uncertain significance for Hereditary cancer-predisposing syndrome. Last evaluated: 2025-01-20. Review status: criteria provided, single submitter. Criteria: Ambry Variant Classification Scheme 2023. Collection method: clinical testing. Allele origin: germline.
Comment: The p.N449D variant (also known as c.1345A>G), located in coding exon 10 of the POT1 gene, results from an A to G substitution at nucleotide position 1345. The asparagine at codon 449 is replaced by aspartic acid, an amino acid with highly similar properties. This amino acid position is conserved. In addition, this alteration is predicted to be tolerated by in silico analysis. Based on the available evidence, the clinical significance of this variant remains unclear.

Revvity Omics, Revvity
Classification: Uncertain significance. Last evaluated: 2024-09-11. Review status: criteria provided, single submitter. Criteria: ACMG Guidelines, 2015. Collection method: clinical testing. Allele origin: germline.

NM_015450.3(POT1):c.1345A>G (p.Asn449Asp)

Gene: POT1 (protection of telomeres 1; minus strand). Cytogenetic location: 7q31.33.
Variant type: single nucleotide variant.
Coding change: c.1345A>G on transcript NM_015450.3 (MANE Select); coding-DNA position 1345, A replaced by G.
Protein change: p.Asn449Asp; replaces asparagine 449 with aspartic acid.
Molecular consequence: missense variant. On other transcripts: non-coding transcript variant (3).
Genome position (GRCh38, 1-based): chr7:124,840,997, T>C on the plus strand (A>G on the coding strand, the complement: POT1 is on the minus strand). VCF-style: chr7-124840997-T-C. GRCh37 (hg19) VCF-style: chr7-124481051-T-C.
Other names: c.952A>G, p.Asn318Asp (NM_001042594.2); c.1345A>G (NM_015450.2); short protein forms N318D, N449D.
Identifiers: ClinVar variation 1372226 (VCV001372226.8), dbSNP rs763618701, ClinGen allele CA4465161.